The following is an entry in ClinVar:

NM_001376.5(DYNC1H1):c.6704G>A (p.Arg2235His)

Gene: DYNC1H1 (dynein cytoplasmic 1 heavy chain 1; plus strand). Cytogenetic location: 14q32.31.
Variant type: single nucleotide variant.
Coding change: c.6704G>A on transcript NM_001376.5 (MANE Select); coding-DNA position 6704, G replaced by A.
Protein change: p.Arg2235His; replaces arginine 2235 with histidine.
Molecular consequence: missense variant.
Genome position (GRCh38, 1-based): chr14:102,011,960, G>A. VCF-style: chr14-102011960-G-A. GRCh37 (hg19) VCF-style: chr14-102478297-G-A.
Other names: c.6704G>A (NM_001376.4); short protein forms R2235H.
Identifiers: ClinVar variation 1403934 (VCV001403934.16), dbSNP rs765956720, ClinGen allele CA7352669.

ClinVar aggregate classification (germline): Conflicting classifications of pathogenicity. Review status: criteria provided, conflicting classifications (1 of 4 stars). 3 submissions from 3 submitters: Uncertain significance (2); Likely benign (1). Last evaluated 2025-11-29.

Conditions:
Inborn genetic diseases. Identifiers: MedGen C0950123, MeSH D030342.
Charcot-Marie-Tooth disease axonal type 2O. Also called: Charcot-Marie-Tooth Neuropathy Type 2O; Charcot-Marie-Tooth disease, axonal, type 20; CHARCOT-MARIE-TOOTH NEUROPATHY, AXONAL, TYPE 2O; CHARCOT-MARIE-TOOTH DISEASE, AXONAL, AUTOSOMAL DOMINANT, TYPE 2O. Identifiers: Orphanet 284232, MedGen C3280220, MONDO:0013644, OMIM 614228.

Allele frequency attached by ClinVar (database versions not stated): TOPMed 0.00001; ExAC 0.00002; gnomAD exomes 0.00002.
gnomAD v4.1: 10 of 1,614,070 alleles (0.00062%); highest among the groups gnomAD compares: South Asian, 0.0055%; no homozygotes.

Submissions (3):

Labcorp Genetics (formerly Invitae), Labcorp
Classification: Likely benign for Charcot-Marie-Tooth disease axonal type 2O. Last evaluated: 2025-11-29. Review status: criteria provided, single submitter. Criteria: Invitae Variant Classification Sherloc (09022015). Collection method: clinical testing. Allele origin: germline.

CeGaT Center for Human Genetics Tuebingen
Classification: Uncertain significance. Last evaluated: 2025-06-01. Review status: criteria provided, single submitter. Criteria: CeGaT Center For Human Genetics Tuebingen Variant Classification Criteria Version 2. Collection method: clinical testing. Allele origin: germline. Affected: yes. Observed: 1 variant allele.
Comment: DYNC1H1: PM2, PP2

Ambry Genetics
Classification: Uncertain significance for Inborn genetic diseases. Last evaluated: 2023-05-26. Review status: criteria provided, single submitter. Criteria: Ambry Variant Classification Scheme 2023. Collection method: clinical testing. Allele origin: germline.